The following is an entry in ClinVar:

NM_025179.4(PLXNA2):c.4617T>C (p.Asn1539=)

Gene: PLXNA2 (plexin A2; minus strand). Cytogenetic location: 1q32.2.
Variant type: single nucleotide variant.
Coding change: c.4617T>C on transcript NM_025179.4 (MANE Select); coding-DNA position 4617, T replaced by C.
Protein change: p.Asn1539=; no amino-acid change (asparagine 1539 retained).
Molecular consequence: synonymous variant.
Genome position (GRCh38, 1-based): chr1:208,038,868, A>G on the plus strand (T>C on the coding strand, the complement: PLXNA2 is on the minus strand). VCF-style: chr1-208038868-A-G. GRCh37 (hg19) VCF-style: chr1-208212213-A-G.
Identifiers: ClinVar variation 3357612 (VCV003357612.1).

ClinVar aggregate classification (germline): Likely benign (0 of 4 stars; one submission).

Conditions:
PLXNA2-related disorder. Also called: PLXNA2-related condition.

gnomAD v4.1: 15 of 1,614,152 alleles (0.00093%); highest among the groups gnomAD compares: Admixed American, 0.022%; no homozygotes.

Submission:

PreventionGenetics, part of Exact Sciences
Classification: Likely benign for PLXNA2-related condition. Last evaluated: 2023-01-05. Review status: no assertion criteria provided. Collection method: clinical testing. Allele origin: germline.
Comment: This variant is classified as likely benign based on ACMG/AMP sequence variant interpretation guidelines (Richards et al. 2015 PMID: 25741868, with internal and published modifications).